The following is an entry in ClinVar:

ClinVar aggregate classification (germline): Likely benign. Review status: criteria provided, single submitter (1 of 4 stars). 2 submissions from 2 submitters: Likely benign (1). 1 of the submissions does not count toward it. Last evaluated 2026-01-27.

Conditions:
ROR1-related disorder. Also called: ROR1-related condition.

Allele frequency attached by ClinVar (database versions not stated): gnomAD exomes 0.00007; ExAC 0.00023; TOPMed 0.00071; gnomAD 0.00076; 1000 Genomes Project 30x 0.00078; 1000 Genomes Project 0.00080; ESP Exome Variant Server 0.00085.
gnomAD v4.1: 220 of 1,614,066 alleles (0.014%); highest among the groups gnomAD compares: African/African-American, 0.24%; no homozygotes.

Submissions (2):

Labcorp Genetics (formerly Invitae), Labcorp
Classification: Likely benign. Last evaluated: 2026-01-27. Review status: criteria provided, single submitter. Criteria: Invitae Variant Classification Sherloc (09022015). Collection method: clinical testing. Allele origin: germline.

PreventionGenetics, part of Exact Sciences
Classification: Likely benign for ROR1-related condition. Last evaluated: 2023-09-14. Review status: no assertion criteria provided. Collection method: clinical testing. Allele origin: germline. Not counted in ClinVar's aggregate classification.
Comment: This variant is classified as likely benign based on ACMG/AMP sequence variant interpretation guidelines (Richards et al. 2015 PMID: 25741868, with internal and published modifications).

NM_005012.4(ROR1):c.1307C>T (p.Ser436Leu)

Gene: ROR1 (receptor tyrosine kinase like orphan receptor 1; plus strand). Cytogenetic location: 1p31.3.
Variant type: single nucleotide variant.
Coding change: c.1307C>T on transcript NM_005012.4 (MANE Select); coding-DNA position 1307, C replaced by T.
Protein change: p.Ser436Leu; replaces serine 436 with leucine.
Molecular consequence: missense variant.
Genome position (GRCh38, 1-based): chr1:64,159,113, C>T. VCF-style: chr1-64159113-C-T. GRCh37 (hg19) VCF-style: chr1-64624796-C-T.
Other names: c.1307C>T (NM_005012.3); short protein forms S436L.
Identifiers: ClinVar variation 2054526 (VCV002054526.6), dbSNP rs139114952, ClinGen allele CA890251.